The following is an entry in ClinVar:

ClinVar aggregate classification (germline): Uncertain significance (1 of 4 stars; one submission).

Conditions:
Spastic paraplegia. Identifiers: MedGen C0037772, HP:0001258.

Submission:

Labcorp Genetics (formerly Invitae), Labcorp
Classification: Uncertain significance for Spastic paraplegia. Last evaluated: 2021-06-29. Review status: criteria provided, single submitter. Criteria: Invitae Variant Classification Sherloc (09022015). Collection method: clinical testing. Allele origin: germline.
Comment: This sequence change replaces alanine with glutamic acid at codon 638 of the L1CAM protein (p.Ala638Glu). The alanine residue is moderately conserved and there is a moderate physicochemical difference between alanine and glutamic acid. In summary, the available evidence is currently insufficient to determine the role of this variant in disease. Therefore, it has been classified as a Variant of Uncertain Significance. Advanced modeling of protein sequence and biophysical properties (such as structural, functional, and spatial information, amino acid conservation, physicochemical variation, residue mobility, and thermodynamic stability) performed at Invitae indicates that this missense variant is not expected to disrupt L1CAM protein function. This variant has not been reported in the literature in individuals affected with L1CAM-related conditions. This variant is not present in population databases (ExAC no frequency).

NM_001278116.2(L1CAM):c.1913C>A (p.Ala638Glu)

Gene: L1CAM (L1 cell adhesion molecule; minus strand). Cytogenetic location: Xq28.
Variant type: single nucleotide variant.
Coding change: c.1913C>A on transcript NM_001278116.2 (MANE Select); coding-DNA position 1913, C replaced by A.
Protein change: p.Ala638Glu; replaces alanine 638 with glutamic acid.
Molecular consequence: missense variant.
Genome position (GRCh38, 1-based): chrX:153,867,826, G>T on the plus strand (C>A on the coding strand, the complement: L1CAM is on the minus strand). VCF-style: chrX-153867826-G-T. GRCh37 (hg19) VCF-style: chrX-153133281-G-T.
Other names: c.1913C>A, p.Ala638Glu (NM_000425.5, NM_024003.3); c.1898C>A, p.Ala633Glu (NM_001143963.2); short protein forms A638E, A633E.
Identifiers: ClinVar variation 1364634 (VCV001364634.8), dbSNP rs2148495969, ClinGen allele CA415122524.
Genomic context (GRCh38, chrX:153,867,826, plus strand): 5'-GACGGTGGGGTGGCACTGAGCTCAAGCCTCTTACTCTCAATGGGGGCATTGTGGTCTTCT[G>T]CAGGACTCCAGGACACGCGCACCTGGCTCTGCGTCAGCAGGTGCAGGTCGGACAGCACCA-3'
Protein context (NP_001265045.1, residues 628-648): QSQVRVSWSP[Ala638Glu]EDHNAPIEKY